The following is an entry in ClinVar:

ClinVar aggregate classification (somatic clinical impact): Tier I - Strong (1 of 4 stars; one submission).

Conditions:
Embryonal rhabdomyosarcoma (ERMS). Also called: Botryoid rhabdomyosarcoma (type of ERMS); Spindle cell rhabdomyosarcomas (type of ERMS). Identifiers: Orphanet 99757, MedGen C0206656, MONDO:0009993, HP:0006743.

Submission:

Institute for Genomic Medicine (IGM) Clinical Laboratory, Nationwide Children's Hospital
Classification: Tier I - Strong for Embryonal rhabdomyosarcoma. Assertion type: diagnostic. Clinical significance: supports diagnosis. Last evaluated: 2022-12-19. Review status: criteria provided, single submitter. Criteria: AMP/ASCO/CAP Guidelines, 2017. Collection method: clinical testing. Allele origin: somatic. Affected: yes.
Comment: Variant has Tier I (strong) clinical significance as a diagnostic inclusion criterion in embryonal rhabdomyosarcoma, based on the following evidence: 1) Documented in one or more cancer databases (e.g., St. Jude Pecan, COSMIC, CIViC, OncoKB). 2) Appears in one or more well-established professional guidelines (e.g., World Health Organization [WHO]; National Comprehensive Cancer Network [NCCN]) as providing diagnostic, prognostic, or therapeutic information. 3) Information in the literature supports potential biologic effect of variant. 4) Diagnostic for a specific tumor type/classification based on well-powered studies with expert-level consensus (Evidence Level B; PMIDs: 24436047, 34166060, 26138366, 25768946).

Literature cited by the submitters: PubMed 24436047; PubMed 34166060; PubMed 26138366; PubMed 25768946.

NM_001123385.2(BCOR):c.4257del (p.Phe1419fs)

Gene: BCOR (BCL6 corepressor; minus strand). Cytogenetic location: Xp11.4.
Variant type: Deletion.
Coding change: c.4257del on transcript NM_001123385.2 (MANE Select); coding-DNA position 4257, one base deleted (C; older notation c.4257delC).
Protein change: p.Phe1419fs; shifts the reading frame from phenylalanine 1419.
Molecular consequence: frameshift variant.
Genome position (GRCh38, 1-based): chrX:40,062,310, G deleted on the plus strand (C on the coding strand, the reverse complement: BCOR is on the minus strand). VCF-style (leftmost placement, unchanged base first): chrX-40062309-CG-C. GRCh37 (hg19) VCF-style: chrX-39921562-CG-C.
Other names: c.4155del, p.Phe1385fs (NM_001123383.2, NM_001438208.1, NM_017745.6); c.4101del, p.Phe1367fs (NM_001123384.2); c.4257del, p.Phe1419fs (NM_001437510.1, NM_001437511.1); c.4203del, p.Phe1401fs (NM_001438207.1); short protein forms F1367fs, F1385fs, F1401fs, F1419fs.
Identifiers: ClinVar variation 4530152 (VCV004530152.1).